The following is an entry in ClinVar:

ClinVar aggregate classification (germline): Uncertain significance. Review status: criteria provided, multiple submitters, no conflicts (2 of 4 stars). 2 submissions from 2 submitters: Uncertain significance (2). Last evaluated 2023-07-16.

Conditions:
Intellectual disability, X-linked 61 (TOKAS). Also called: TONNE-KALSCHEUER SYNDROME. Identifiers: MedGen C4283894, MONDO:0010506, OMIM 300978.

Allele frequency attached by ClinVar (database versions not stated): gnomAD exomes below 0.00001.

Submissions (2):

Victorian Clinical Genetics Services, Murdoch Childrens Research Institute
Classification: Uncertain significance for Intellectual disability, X-linked 61. Last evaluated: 2023-07-16. Review status: criteria provided, single submitter. Criteria: ACMG Guidelines, 2015. Collection method: clinical testing. Allele origin: germline. Inheritance: X-linked inheritance. Affected: yes.
Comment: Based on the classification scheme VCGS_Germline_v1.3.4, this variant is classified as VUS-3B. Following criteria are met: 0102 - Loss of function is a known mechanism of disease in this gene and is associated with Tonne-Kalscheuer syndrome (MIM#300978). Functional studies have shown that one missense variant has decreased protein expression (PMID: 33953269). Other studies have also shown several missense variants cause reduced ubiquitination of the target protein, and in vivo studies have suggested LoF based on the inability of mutants to rescue the phenotype in animal models (PMIDs: 29728705, 33953269). (I) 0109 - This gene is associated with X-linked disease. Most affected patients are males, with females being mildly affected and showing evidence for highly skewed X inactivation (OMIM). (I) 0115 - Variants in this gene are known to have variable expressivity. While all affected males had intellectual disability, they also had variable behavioural anomalies with or without congenital malformations (PMID: 29728705). (I) 0200 - Variant is predicted to result in a missense amino acid change from serine to leucine. (I) 0253 - This variant is hemizygous. (I) 0301 - Variant is absent from gnomAD (both v2 and v3). (SP) 0503 - Missense variant consistently predicted to be tolerated by multiple in silico tools or not conserved in placental mammals with a minor amino acid change. (SB) 0604 - Variant is not located in an established domain, motif, hotspot or informative constraint region. (I) 0705 - No comparable missense variants have previous evidence for pathogenicity. (I) 0807 - This variant has no previous evidence of pathogenicity. (I) 0905 - No published segregation evidence has been identified for this variant. (I) 1007 - No published functional evidence has been identified for this variant. (I) Legend: (SP) - Supporting pathogenic, (I) - Information, (SB) - Supporting benign

GeneDx
Classification: Uncertain significance. Last evaluated: 2023-05-13. Review status: criteria provided, single submitter. Criteria: GeneDx Variant Classification Process June 2021. Collection method: clinical testing. Allele origin: germline. Affected: yes.
Comment: Not observed at significant frequency in large population cohorts (gnomAD); In silico analysis supports that this missense variant does not alter protein structure/function; Has not been previously published as pathogenic or benign to our knowledge

Literature cited by the submitters: PubMed 29728705 (cited by Victorian Clinical Genetics Services, Murdoch Childrens Research Institute); PubMed 33953269 (cited by Victorian Clinical Genetics Services, Murdoch Childrens Research Institute).

NM_016120.4(RLIM):c.1508C>T (p.Ser503Leu)

Gene: RLIM (ring finger protein, LIM domain interacting; minus strand). Cytogenetic location: Xq13.2.
Variant type: single nucleotide variant.
Coding change: c.1508C>T on transcript NM_016120.4 (MANE Select); coding-DNA position 1508, C replaced by T.
Protein change: p.Ser503Leu; replaces serine 503 with leucine.
Molecular consequence: missense variant.
Genome position (GRCh38, 1-based): chrX:74,591,807, G>A on the plus strand (C>T on the coding strand, the complement: RLIM is on the minus strand). VCF-style: chrX-74591807-G-A. GRCh37 (hg19) VCF-style: chrX-73811642-G-A.
Other names: c.1508C>T, p.Ser503Leu (NM_183353.3); c.1508C>T (NM_016120.3); short protein forms S503L.
Identifiers: ClinVar variation 2663272 (VCV002663272.3), dbSNP rs2519833766, ClinGen allele CA413660000.